The following is an entry in ClinVar:

NM_001018115.3(FANCD2):c.1279G>T (p.Val427Phe)

Genes: FANCD2 (FA complementation group D2; plus strand), LOC107303338 (3p25 FANCD2 Alu-mediated recombination region; plus strand). Cytogenetic location: 3p25.3.
Variant type: single nucleotide variant.
Coding change: c.1279G>T on transcript NM_001018115.3 (MANE Select); coding-DNA position 1279, G replaced by T.
Protein change: p.Val427Phe; replaces valine 427 with phenylalanine.
Molecular consequence: missense variant.
Genome position (GRCh38, 1-based): chr3:10,047,917, G>T. VCF-style: chr3-10047917-G-T. GRCh37 (hg19) VCF-style: chr3-10089601-G-T.
Other names: c.1279G>T, p.Val427Phe (NM_001319984.2, NM_001374253.1, NM_001374254.1 and 1 more transcripts); short protein forms V427F.
Identifiers: ClinVar variation 929651 (VCV000929651.8), dbSNP rs529893298, ClinGen allele CA2249596.

ClinVar aggregate classification (germline): Conflicting classifications of pathogenicity. Review status: criteria provided, conflicting classifications (1 of 4 stars). 4 submissions from 4 submitters: Likely pathogenic (1); Uncertain significance (2). 1 of the submissions does not count toward it. Last evaluated 2021-12-07.

Conditions:
Fanconi anemia (FA). Also called: Fanconi's anemia. Identifiers: Orphanet 84, MedGen C0015625, MeSH D005199, MONDO:0019391.
Fanconi anemia complementation group D2. Also called: FANCD2-Related Fanconi Anemia; FANCONI PANCYTOPENIA, TYPE 4; FANCONI ANEMIA, COMPLEMENTATION GROUP D. Identifiers: Orphanet 84, MedGen C3160738, MONDO:0009214, OMIM 227646.

Allele frequency attached by ClinVar (database versions not stated): ExAC 0.00001; gnomAD 0.00001.

Submissions (4):

Fulgent Genetics
Classification: Uncertain significance for Fanconi anemia complementation group D2. Last evaluated: 2021-12-07. Review status: criteria provided, single submitter. Criteria: ACMG Guidelines, 2015. Collection method: clinical testing. Allele origin: unknown.

Sema4
Classification: Uncertain significance for Fanconi anemia. Last evaluated: 2021-11-26. Review status: criteria provided, single submitter. Criteria: Sema4 Curation Guidelines. Collection method: curation. Allele origin: germline.
Comment: The FANCD2 c.1279G>T (p.V427F) variant has been reported as compound heterozygous with another pathogenic variant in an individual with Fanconi anemia (PMID: 23613520). It was observed in 1/129146 chromosomes of the Non-Finnish European subpopulation in the large and broad cohorts of the Genome Aggregation Database (PMID: 32461654). The variant has been reported in ClinVar (Variation ID 929651). The variant affects the first nucleotide of exon 16 and in silico tools suggest that the variant may have an impact on splicing. These predictions have been confirmed by an RNA-seq study that showed the variant to result in skipping of exon 16. This variant involves a moderately conserved amino acid, and computational analyses do not provide strong support for or against an impact to the protein. Considering all evidence, the variant is classified as variant of uncertain significance.

Revvity Omics, Revvity
Classification: Likely pathogenic for Fanconi anemia complementation group D2. Last evaluated: 2019-02-01. Review status: criteria provided, single submitter. Criteria: ACMG Guidelines, 2015. Collection method: clinical testing. Allele origin: germline.

Leiden Open Variation Database
Classification: Uncertain significance for Fanconi anemia complementation group D2. Last evaluated: 2020-02-28. Review status: no assertion criteria provided. Collection method: curation. Allele origin: germline. Affected: yes. Not counted in ClinVar's aggregate classification.
Comment: Curator: Arleen D. Auerbach. Submitter to LOVD: Arleen D. Auerbach.

Literature cited by the submitters: PubMed 23613520 (cited by Sema4 and Leiden Open Variation Database).